The following is an entry in ClinVar:

NM_000466.3(PEX1):c.46del (p.Ala16fs)

Genes: PEX1 (peroxisomal biogenesis factor 1; minus strand), LOC129998796 (ATAC-STARR-seq lymphoblastoid silent region 18372; plus strand). Cytogenetic location: 7q21.2.
Variant type: Deletion.
Coding change: c.46del on transcript NM_000466.3 (MANE Select); coding-DNA position 46, one base deleted (G; older notation c.46delG).
Protein change: p.Ala16fs; shifts the reading frame from alanine 16.
Molecular consequence: frameshift variant. On other transcripts: 5 prime UTR variant (1).
Genome position (GRCh38, 1-based): chr7:92,528,390, C deleted on the plus strand (G on the coding strand, the reverse complement: PEX1 is on the minus strand); the first of 2 consecutive C bases (chr7:92,528,390-92,528,391); deleting either gives the same sequence. VCF-style (leftmost placement, unchanged base first): chr7-92528389-GC-G. GRCh37 (hg19) VCF-style: chr7-92157703-GC-G.
Other names: c.46del, p.Ala16fs (NM_001282677.2); c.-614del (NM_001282678.2); short protein forms A16fs.
Identifiers: ClinVar variation 2746711 (VCV002746711.3), dbSNP rs2484725756, ClinGen allele CA2697557401.

ClinVar aggregate classification (germline): Pathogenic (1 of 4 stars; one submission).

Conditions:
Zellweger spectrum disorders (ZS). Also called: Zellweger syndrome; Zellweger Spectrum Disorder (ZSD); Zellweger Spectrum Disorder; Zellweger Spectrum. Identifiers: Orphanet 912, MedGen C0043459, MONDO:0019609.

Submission:

Labcorp Genetics (formerly Invitae), Labcorp
Classification: Pathogenic for Zellweger spectrum disorders. Last evaluated: 2023-07-25. Review status: criteria provided, single submitter. Criteria: Invitae Variant Classification Sherloc (09022015). Collection method: clinical testing. Allele origin: germline.
Comment: For these reasons, this variant has been classified as Pathogenic. This variant has not been reported in the literature in individuals affected with PEX1-related conditions. This variant is not present in population databases (gnomAD no frequency). This sequence change creates a premature translational stop signal (p.Ala16Glnfs*2) in the PEX1 gene. It is expected to result in an absent or disrupted protein product. Loss-of-function variants in PEX1 are known to be pathogenic (PMID: 9398847, 16086329, 16141001, 21031596, 26387595, 31831025).

Literature cited by the submitters: PubMed 9398847; PubMed 16086329; PubMed 16141001; PubMed 21031596; PubMed 26387595; PubMed 31831025.